The following is an entry in ClinVar:

NM_198578.4(LRRK2):c.7349A>C (p.Asn2450Thr)

Gene: LRRK2 (leucine rich repeat kinase 2; plus strand). Cytogenetic location: 12q12.
Variant type: single nucleotide variant.
Coding change: c.7349A>C on transcript NM_198578.4 (MANE Select); coding-DNA position 7349, A replaced by C.
Protein change: p.Asn2450Thr; replaces asparagine 2450 with threonine.
Molecular consequence: missense variant.
Genome position (GRCh38, 1-based): chr12:40,365,009, A>C. VCF-style: chr12-40365009-A-C. GRCh37 (hg19) VCF-style: chr12-40758811-A-C.
Other names: short protein forms N2450T.
Identifiers: ClinVar variation 3229785 (VCV003229785.1), dbSNP rs2500038655, ClinGen allele CA384415272.

ClinVar aggregate classification (germline): Uncertain significance (1 of 4 stars; one submission).

Conditions:
Inborn genetic diseases. Identifiers: MedGen C0950123, MeSH D030342.

Submission:

Ambry Genetics
Classification: Uncertain significance for Inborn genetic diseases. Last evaluated: 2023-10-25. Review status: criteria provided, single submitter. Criteria: Ambry Variant Classification Scheme 2023. Collection method: clinical testing. Allele origin: germline.
Comment: The p.N2450T variant (also known as c.7349A>C), located in coding exon 49 of the LRRK2 gene, results from an A to C substitution at nucleotide position 7349. The asparagine at codon 2450 is replaced by threonine, an amino acid with similar properties. This amino acid position is conserved. In addition, this alteration is predicted to be tolerated by in silico analysis. Since supporting evidence is limited at this time, the clinical significance of this alteration remains unclear.